The following is an entry in ClinVar:

ClinVar aggregate classification (germline): Uncertain significance (1 of 4 stars; one submission).

Submission:

Ambry Genetics
Classification: Uncertain significance. Last evaluated: 2022-11-30. Review status: criteria provided, single submitter. Criteria: Ambry Variant Classification Scheme 2023. Collection method: clinical testing. Allele origin: germline.
Comment: The p.I986T variant (also known as c.2957T>C), located in coding exon 24 of the BUB1 gene, results from a T to C substitution at nucleotide position 2957. The isoleucine at codon 986 is replaced by threonine, an amino acid with similar properties. This amino acid position is conserved. In addition, this alteration is predicted to be tolerated by in silico analysis. Since supporting evidence is limited at this time, the clinical significance of this alteration remains unclear.

NM_004336.5(BUB1):c.2957T>C (p.Ile986Thr)

Gene: BUB1 (BUB1 mitotic checkpoint serine/threonine kinase; minus strand). Cytogenetic location: 2q13.
Variant type: single nucleotide variant.
Coding change: c.2957T>C on transcript NM_004336.5 (MANE Select); coding-DNA position 2957, T replaced by C.
Protein change: p.Ile986Thr; replaces isoleucine 986 with threonine.
Molecular consequence: missense variant.
Genome position (GRCh38, 1-based): chr2:110,639,847, A>G on the plus strand (T>C on the coding strand, the complement: BUB1 is on the minus strand). VCF-style: chr2-110639847-A-G. GRCh37 (hg19) VCF-style: chr2-111397424-A-G.
Other names: c.2897T>C, p.Ile966Thr (NM_001278616.2); c.2786T>C, p.Ile929Thr (NM_001278617.2); short protein forms I929T, I966T, I986T.
Identifiers: ClinVar variation 3224074 (VCV003224074.1), dbSNP rs2467967356, ClinGen allele CA348088901.